The following is an entry in ClinVar:

NM_001197104.2(KMT2A):c.8330A>G (p.His2777Arg)

Gene: KMT2A (lysine methyltransferase 2A; plus strand). Cytogenetic location: 11q23.3.
Variant type: single nucleotide variant.
Coding change: c.8330A>G on transcript NM_001197104.2 (MANE Select); coding-DNA position 8330, A replaced by G.
Protein change: p.His2777Arg; replaces histidine 2777 with arginine.
Molecular consequence: missense variant.
Genome position (GRCh38, 1-based): chr11:118,504,222, A>G. VCF-style: chr11-118504222-A-G. GRCh37 (hg19) VCF-style: chr11-118374937-A-G.
Other names: c.8420A>G, p.His2807Arg (NM_001412597.1); c.8321A>G, p.His2774Arg (NM_005933.4); short protein forms H2807R, H2777R, H2774R.
Identifiers: ClinVar variation 3000503 (VCV003000503.3), dbSNP rs1950546380, ClinGen allele CA382812924.

ClinVar aggregate classification (germline): Uncertain significance (1 of 4 stars; one submission).

Allele frequency attached by ClinVar (database versions not stated): gnomAD exomes below 0.00001.
gnomAD v4.1: 1 of 1,614,186 alleles (0.000062%); highest among the groups gnomAD compares: Non-Finnish European, 0.000085%; no homozygotes.

Submission:

Labcorp Genetics (formerly Invitae), Labcorp
Classification: Uncertain significance. Last evaluated: 2023-09-19. Review status: criteria provided, single submitter. Criteria: Invitae Variant Classification Sherloc (09022015). Collection method: clinical testing. Allele origin: germline.
Comment: In summary, the available evidence is currently insufficient to determine the role of this variant in disease. Therefore, it has been classified as a Variant of Uncertain Significance. Advanced modeling of protein sequence and biophysical properties (such as structural, functional, and spatial information, amino acid conservation, physicochemical variation, residue mobility, and thermodynamic stability) performed at Invitae indicates that this missense variant is not expected to disrupt KMT2A protein function. This variant has not been reported in the literature in individuals affected with KMT2A-related conditions. This variant is not present in population databases (gnomAD no frequency). This sequence change replaces histidine, which is basic and polar, with arginine, which is basic and polar, at codon 2777 of the KMT2A protein (p.His2777Arg).